The following is an entry in ClinVar:

ClinVar aggregate classification (germline): Uncertain significance (1 of 4 stars; one submission).

Conditions:
Diamond-Blackfan anemia 10 (DBA10). Also called: RPS26-Related Diamond-Blackfan Anemia. Identifiers: Orphanet 124, MedGen C2750080, MONDO:0013217, OMIM 613309.

Submission:

Broad Center for Mendelian Genomics, Broad Institute of MIT and Harvard
Classification: Uncertain significance for Diamond-Blackfan anemia 10. Last evaluated: 2023-05-02. Review status: criteria provided, single submitter. Criteria: ACMG Guidelines, 2015. Collection method: curation. Allele origin: germline. Inheritance: Autosomal dominant inheritance.
Comment: The c.182-16_182-4del variant in RPS26 has not been previously reported in individuals with Diamond-Blackfan anemia 10. This variant is absent in population databases. This variant is located in the 3‚Äô splice region. Computational tools do suggest an impact to splicing. However, this information is not predictive enough to determine pathogenicity. In summary, the clinical significance of the c.182-16_182-4del variant is uncertain. ACMG/AMP Criteria applied: PM2_Supporting, PP3 (Richards 2015).

NM_001029.5(RPS26):c.182-16_182-4del

Gene: RPS26 (ribosomal protein S26; plus strand). Cytogenetic location: 12q13.2.
Variant type: Deletion.
Coding change: c.182-16_182-4del on transcript NM_001029.5 (MANE Select); 16 bases into the intron before coding-DNA position 182 through 4 bases into the intron before coding-DNA position 182, 13 bases deleted (ATTTTCTATTCCT).
Molecular consequence: intron variant.
Genome position (GRCh38, 1-based): chr12:56,043,347-56,043,359, ATTTTCTATTCCT deleted; deleting any 13 consecutive bases within chr12:56,043,345-56,043,359 gives the same sequence; the c. name uses the placement nearest the transcript's 3' end. VCF-style (leftmost placement, unchanged base first): chr12-56043344-TCTATTTTCTATTC-T. GRCh37 (hg19) VCF-style: chr12-56437128-TCTATTTTCTATTC-T.
Other names: NM_001029.5:c.182-16_182-4del.
Identifiers: ClinVar variation 2500942 (VCV002500942.1), dbSNP rs2540723529, ClinGen allele CA2573332004.